The following is an entry in ClinVar:

ClinVar aggregate classification (germline): Pathogenic (1 of 4 stars; one submission).

Conditions:
Familial thoracic aortic aneurysm and aortic dissection (TAAD). Also called: Thoracic aortic aneurysms and dissections. Identifiers: Orphanet 91387, MedGen C4707243, MONDO:0019625.
Marfan syndrome (MFS). Also called: MARFAN SYNDROME, TYPE I; Marfan syndrome type 1; Marfan's syndrome; Marfan syndrome, classic; FBN1-Related Marfan Syndrome. Identifiers: Orphanet 284963, Orphanet 558, MedGen C0024796, MONDO:0007947, OMIM 154700.

Submission:

Labcorp Genetics (formerly Invitae), Labcorp
Classification: Pathogenic for Marfan syndrome; Familial thoracic aortic aneurysm and aortic dissection. Last evaluated: 2022-08-19. Review status: criteria provided, single submitter. Criteria: Invitae Variant Classification Sherloc (09022015). Collection method: clinical testing. Allele origin: germline.
Comment: For these reasons, this variant has been classified as Pathogenic. Algorithms developed to predict the effect of sequence changes on RNA splicing suggest that this variant may disrupt the consensus splice site. Disruption of this splice site has been observed in individual(s) with Marfan syndrome (PMID: 31730815). This variant is not present in population databases (gnomAD no frequency). This sequence change affects an acceptor splice site in intron 55 of the FBN1 gene. It is expected to disrupt RNA splicing. Variants that disrupt the donor or acceptor splice site typically lead to a loss of protein function (PMID: 16199547), and loss-of-function variants in FBN1 are known to be pathogenic (PMID: 17657824, 19293843).

Literature cited by the submitters: PubMed 31730815; PubMed 16199547; PubMed 17657824; PubMed 19293843.

NM_000138.5(FBN1):c.6740-1G>C

Gene: FBN1 (fibrillin 1; minus strand). Cytogenetic location: 15q21.1.
Variant type: single nucleotide variant.
Coding change: c.6740-1G>C on transcript NM_000138.5 (MANE Select); the canonical splice acceptor site of the intron before coding-DNA position 6740, G replaced by C.
Molecular consequence: splice acceptor variant.
Genome position (GRCh38, 1-based): chr15:48,430,803, C>G on the plus strand (G>C on the coding strand, the complement: FBN1 is on the minus strand). VCF-style: chr15-48430803-C-G. GRCh37 (hg19) VCF-style: chr15-48723000-C-G.
Other names: c.6740-1G>C (NM_001406716.1).
Identifiers: ClinVar variation 2025058 (VCV002025058.4), dbSNP rs1555394781, ClinGen allele CA392332983.